The following is an entry in ClinVar:

ClinVar aggregate classification (germline): Likely pathogenic (1 of 4 stars; one submission).

Conditions:
Familial dysautonomia. Also called: HSAN III; FD. Identifiers: Orphanet 1764, MedGen C0013364, MONDO:0009131, OMIM 223900. Disease mechanism: loss of function.

Submission:

Natera, Inc.
Classification: Likely pathogenic for Familial dysautonomia. Last evaluated: 2025-12-01. Review status: criteria provided, single submitter. Criteria: Natera Variant Classification Schema (03/2026). Collection method: clinical testing. Allele origin: germline.
Comment: The c.1000C>T variant in ELP1 is a nonsense variant predicted to introduce a stop codon at amino acid 334. This variant is expected to result in nonsense mediated decay, truncation, or a dysfunctional protein product. This variant is rare in the general population with a frequency below the threshold expected for the associated phenotype(s). Given the available evidence, this variant is classified as Likely Pathogenic.

NM_003640.5(ELP1):c.1000C>T (p.Gln334Ter)

Gene: ELP1 (elongator acetyltransferase complex subunit 1; minus strand). Cytogenetic location: 9q31.3.
Variant type: single nucleotide variant.
Coding change: c.1000C>T on transcript NM_003640.5 (MANE Select); coding-DNA position 1000, C replaced by T.
Protein change: p.Gln334Ter; replaces glutamine 334 with a stop codon.
Molecular consequence: nonsense. On other transcripts: 5 prime UTR variant (1).
Genome position (GRCh38, 1-based): chr9:108,912,453, G>A on the plus strand (C>T on the coding strand, the complement: ELP1 is on the minus strand). VCF-style: chr9-108912453-G-A. GRCh37 (hg19) VCF-style: chr9-111674733-G-A.
Other names: c.658C>T, p.Gln220Ter (NM_001318360.2); c.-48C>T (NM_001330749.2); short protein forms Q220*, Q334*.
Identifiers: ClinVar variation 4815161 (VCV004815161.1).